The following is an entry in ClinVar:

NM_001378454.1(ALMS1):c.7298C>G (p.Pro2433Arg)

Gene: ALMS1 (ALMS1 centrosome and basal body associated protein; plus strand). Cytogenetic location: 2p13.1.
Variant type: single nucleotide variant.
Coding change: c.7298C>G on transcript NM_001378454.1 (MANE Select); coding-DNA position 7298, C replaced by G.
Protein change: p.Pro2433Arg; replaces proline 2433 with arginine.
Molecular consequence: missense variant.
Genome position (GRCh38, 1-based): chr2:73,453,825, C>G. VCF-style: chr2-73453825-C-G. GRCh37 (hg19) VCF-style: chr2-73680952-C-G.
Other names: c.7301C>G, p.Pro2434Arg (NM_015120.4); short protein forms P2433R, P2434R.
Identifiers: ClinVar variation 1418735 (VCV001418735.6), dbSNP rs2103793431, ClinGen allele CA347292102.

ClinVar aggregate classification (germline): Uncertain significance (1 of 4 stars; one submission).

Conditions:
Alstrom syndrome (ALMS). Identifiers: Orphanet 64, MedGen C0268425, MONDO:0008763, OMIM 203800.

Submission:

Labcorp Genetics (formerly Invitae), Labcorp
Classification: Uncertain significance for Alstrom syndrome. Last evaluated: 2022-03-10. Review status: criteria provided, single submitter. Criteria: Invitae Variant Classification Sherloc (09022015). Collection method: clinical testing. Allele origin: germline.
Comment: This variant is not present in population databases (gnomAD no frequency). This sequence change replaces proline, which is neutral and non-polar, with arginine, which is basic and polar, at codon 2434 of the ALMS1 protein (p.Pro2434Arg). In summary, the available evidence is currently insufficient to determine the role of this variant in disease. Therefore, it has been classified as a Variant of Uncertain Significance. Experimental studies and prediction algorithms are not available or were not evaluated, and the functional significance of this variant is currently unknown. This variant has not been reported in the literature in individuals affected with ALMS1-related conditions.